The following is an entry in ClinVar:

ClinVar aggregate classification (germline): Uncertain significance (1 of 4 stars; one submission).

Allele frequency attached by ClinVar (database versions not stated): gnomAD exomes below 0.00001; gnomAD 0.00001; TOPMed 0.00001.
gnomAD v4.1: 3 of 1,613,974 alleles (0.00019%); highest among the groups gnomAD compares: South Asian, 0.0011%; no homozygotes.

Submission:

GeneDx
Classification: Uncertain significance. Last evaluated: 2022-12-29. Review status: criteria provided, single submitter. Criteria: GeneDx Variant Classification Process June 2021. Collection method: clinical testing. Allele origin: germline. Affected: yes.
Comment: Not observed at significant frequency in large population cohorts (gnomAD); In silico analysis supports that this missense variant has a deleterious effect on protein structure/function; Has not been previously published as pathogenic or benign to our knowledge

NM_002249.6(KCNN3):c.1436G>A (p.Arg479His)

Gene: KCNN3 (potassium calcium-activated channel subfamily N member 3; minus strand). Cytogenetic location: 1q21.3.
Variant type: single nucleotide variant.
Coding change: c.1436G>A on transcript NM_002249.6 (MANE Select); coding-DNA position 1436, G replaced by A.
Protein change: p.Arg479His; replaces arginine 479 with histidine.
Molecular consequence: missense variant.
Genome position (GRCh38, 1-based): chr1:154,771,987, C>T on the plus strand (G>A on the coding strand, the complement: KCNN3 is on the minus strand). VCF-style: chr1-154771987-C-T. GRCh37 (hg19) VCF-style: chr1-154744463-C-T.
Other names: c.1436G>A, p.Arg479His (NM_001204087.2); c.497G>A, p.Arg166His (NM_001365837.1, NM_001365838.1); c.521G>A, p.Arg174His (NM_170782.3); short protein forms R166H, R174H, R479H.
Identifiers: ClinVar variation 2507316 (VCV002507316.1), dbSNP rs1648579950, ClinGen allele CA343066185.